The following is an entry in ClinVar:

NM_032444.4(SLX4):c.2706G>T (p.Lys902Asn)

Gene: SLX4 (SLX4 structure-specific endonuclease subunit; minus strand). Cytogenetic location: 16p13.3.
Variant type: single nucleotide variant.
Coding change: c.2706G>T on transcript NM_032444.4 (MANE Select); coding-DNA position 2706, G replaced by T.
Protein change: p.Lys902Asn; replaces lysine 902 with asparagine.
Molecular consequence: missense variant.
Genome position (GRCh38, 1-based): chr16:3,590,932, C>A on the plus strand (G>T on the coding strand, the complement: SLX4 is on the minus strand). VCF-style: chr16-3590932-C-A. GRCh37 (hg19) VCF-style: chr16-3640933-C-A.
Other names: short protein forms K902N.
Identifiers: ClinVar variation 2060750 (VCV002060750.2), dbSNP rs764936885, ClinGen allele CA7866096.
Genomic context (GRCh38, chr16:3,590,932, plus strand): 5'-CTTCTCCCAGGTGGTGGCGGCCTCATCTCTTCCTGGCTCCAACGGCTCCATCTCCTCCAC[C>A]TTGTCCCACTGTTTCTGCACCTGGACACCTGCTAGGAGTTGCCCAGAAACCGGACTGCCA-3'
Protein context (NP_115820.2, residues 892-912): AGVQVQKQWD[Lys902Asn]VEEMEPLEPG

ClinVar aggregate classification (germline): Uncertain significance (1 of 4 stars; one submission).

Conditions:
Fanconi anemia (FA). Also called: Fanconi's anemia. Identifiers: Orphanet 84, MedGen C0015625, MeSH D005199, MONDO:0019391.

Allele frequency attached by ClinVar (database versions not stated): ExAC 0.00001; gnomAD 0.00002; TOPMed 0.00003.
gnomAD v4.1: 25 of 1,614,084 alleles (0.0015%); highest among the groups gnomAD compares: Admixed American, 0.0033%; no homozygotes.

Submission:

Labcorp Genetics (formerly Invitae), Labcorp
Classification: Uncertain significance for Fanconi anemia. Last evaluated: 2022-01-04. Review status: criteria provided, single submitter. Criteria: Invitae Variant Classification Sherloc (09022015). Collection method: clinical testing. Allele origin: germline.
Comment: This variant has not been reported in the literature in individuals affected with SLX4-related conditions. In summary, the available evidence is currently insufficient to determine the role of this variant in disease. Therefore, it has been classified as a Variant of Uncertain Significance. Algorithms developed to predict the effect of missense changes on protein structure and function output the following: SIFT: "Tolerated"; PolyPhen-2: "Benign"; Align-GVGD: "Class C0". The asparagine amino acid residue is found in multiple mammalian species, which suggests that this missense change does not adversely affect protein function. This variant is present in population databases (rs764936885, gnomAD 0.006%). This sequence change replaces lysine, which is basic and polar, with asparagine, which is neutral and polar, at codon 902 of the SLX4 protein (p.Lys902Asn).